The following is an entry in ClinVar:

NM_032444.4(SLX4):c.3872C>T (p.Thr1291Met)

Gene: SLX4 (SLX4 structure-specific endonuclease subunit; minus strand). Cytogenetic location: 16p13.3.
Variant type: single nucleotide variant.
Coding change: c.3872C>T on transcript NM_032444.4 (MANE Select); coding-DNA position 3872, C replaced by T.
Protein change: p.Thr1291Met; replaces threonine 1291 with methionine.
Molecular consequence: missense variant.
Genome position (GRCh38, 1-based): chr16:3,589,766, G>A on the plus strand (C>T on the coding strand, the complement: SLX4 is on the minus strand). VCF-style: chr16-3589766-G-A. GRCh37 (hg19) VCF-style: chr16-3639767-G-A.
Other names: short protein forms T1291M.
Identifiers: ClinVar variation 887173 (VCV000887173.12), dbSNP rs754761366, ClinGen allele CA7865803.

ClinVar aggregate classification (germline): Uncertain significance. Review status: criteria provided, multiple submitters, no conflicts (2 of 4 stars). 3 submissions from 3 submitters: Uncertain significance (3). Last evaluated 2021-11-08.

Conditions:
Fanconi anemia (FA). Also called: Fanconi's anemia. Identifiers: Orphanet 84, MedGen C0015625, MeSH D005199, MONDO:0019391.
Fanconi anemia complementation group P. Also called: SLX4-Related Fanconi Anemia. Identifiers: Orphanet 84, MedGen C3469542, MONDO:0013499, OMIM 613951.

Allele frequency attached by ClinVar (database versions not stated): TOPMed 0.00001; gnomAD 0.00002 and 0.00003; gnomAD exomes 0.00003; ExAC 0.00005.
gnomAD v4.1: 54 of 1,613,580 alleles (0.0033%); highest among the groups gnomAD compares: Middle Eastern, 0.016%; no homozygotes.

Submissions (3):

Fulgent Genetics
Classification: Uncertain significance for Fanconi anemia complementation group P. Last evaluated: 2021-11-08. Review status: criteria provided, single submitter. Criteria: ACMG Guidelines, 2015. Collection method: clinical testing. Allele origin: unknown.

Labcorp Genetics (formerly Invitae), Labcorp
Classification: Uncertain significance for Fanconi anemia. Last evaluated: 2021-02-17. Review status: criteria provided, single submitter. Criteria: Invitae Variant Classification Sherloc (09022015). Collection method: clinical testing. Allele origin: germline.
Comment: This sequence change replaces threonine with methionine at codon 1291 of the SLX4 protein (p.Thr1291Met). The threonine residue is weakly conserved and there is a moderate physicochemical difference between threonine and methionine. This variant is present in population databases (rs754761366, ExAC 0.009%). This variant has been observed in individual(s) with familial breast cancer (PMID: 22401137). ClinVar contains an entry for this variant (Variation ID: 887173). Algorithms developed to predict the effect of missense changes on protein structure and function output the following: SIFT: "Tolerated"; PolyPhen-2: "Benign"; Align-GVGD: "Class C0". The methionine amino acid residue is found in multiple mammalian species, suggesting that this missense change does not adversely affect protein function. These predictions have not been confirmed by published functional studies and their clinical significance is uncertain. In summary, the available evidence is currently insufficient to determine the role of this variant in disease. Therefore, it has been classified as a Variant of Uncertain Significance.

Illumina Laboratory Services, Illumina
Classification: Uncertain significance for Fanconi anemia complementation group P. Last evaluated: 2017-04-28. Review status: criteria provided, single submitter. Criteria: ICSL Variant Classification Criteria 13 December 2019. Collection method: clinical testing. Allele origin: germline.

Literature cited by the submitters: PubMed 22401137 (cited by Labcorp Genetics (formerly Invitae), Labcorp).